The following is an entry in ClinVar:

NM_001184785.2(PARD3):c.2068-7T>C

Gene: PARD3 (par-3 family cell polarity regulator; minus strand). Cytogenetic location: 10p11.21.
Variant type: single nucleotide variant.
Coding change: c.2068-7T>C on transcript NM_001184785.2 (MANE Select); 7 bases into the intron before coding-DNA position 2068, T replaced by C.
Molecular consequence: intron variant.
Genome position (GRCh38, 1-based): chr10:34,348,122, A>G on the plus strand (T>C on the coding strand, the complement: PARD3 is on the minus strand). VCF-style: chr10-34348122-A-G. GRCh37 (hg19) VCF-style: chr10-34637050-A-G.
Other names: c.1897-7T>C (NM_001184790.2, NM_001184791.2); c.2029-7T>C (NM_001184789.2, NM_001184788.2, NM_001184786.2 and 1 more transcripts); c.2068-7T>C (NM_001184787.2, NM_019619.4, NM_001184793.2 and 1 more transcripts).
Identifiers: ClinVar variation 3038450 (VCV003038450.2), dbSNP rs185757507, ClinGen allele CA5467723.
Genomic context (GRCh38, chr10:34,348,122, plus strand): 5'-CAACGCTGTTTCAATGGGCAGCTCAGGTCCAGGGGGGCTCCCAGGTGACTTCAGCTACAG[A>G]GTAACGGGTATGGGGGCAAAGAAAAATCAGTACCTGGAGGCCAATTAGCAGCATGGGAGA-3'

ClinVar aggregate classification (germline): Likely benign (0 of 4 stars; one submission).

Conditions:
PARD3-related disorder. Also called: PARD3-related condition.

Allele frequency attached by ClinVar (database versions not stated): ESP Exome Variant Server 0.00023; 1000 Genomes Project 0.00040; 1000 Genomes Project 30x 0.00062.
gnomAD v4.1: 499 of 1,599,506 alleles (0.031%); highest among the groups gnomAD compares: Admixed American, 0.13%; 2 homozygotes.

Submission:

PreventionGenetics, part of Exact Sciences
Classification: Likely benign for PARD3-related condition. Last evaluated: 2019-05-21. Review status: no assertion criteria provided. Collection method: clinical testing. Allele origin: germline.
Comment: This variant is classified as likely benign based on ACMG/AMP sequence variant interpretation guidelines (Richards et al. 2015 PMID: 25741868, with internal and published modifications).